The following is an entry in ClinVar:

ClinVar aggregate classification (germline): Uncertain significance (1 of 4 stars; one submission).

gnomAD v4.1: 10 of 1,609,282 alleles (0.00062%); highest among the groups gnomAD compares: Non-Finnish European, 0.00085%; no homozygotes.

Submission:

Labcorp Genetics (formerly Invitae), Labcorp
Classification: Uncertain significance. Last evaluated: 2024-12-25. Review status: criteria provided, single submitter. Criteria: Invitae Variant Classification Sherloc (09022015). Collection method: clinical testing. Allele origin: germline.
Comment: This sequence change replaces glutamine, which is neutral and polar, with arginine, which is basic and polar, at codon 864 of the KMT2B protein (p.Gln864Arg). This variant is present in population databases (no rsID available, gnomAD 0.007%). This variant has not been reported in the literature in individuals affected with KMT2B-related conditions. Invitae Evidence Modeling of protein sequence and biophysical properties (such as structural, functional, and spatial information, amino acid conservation, physicochemical variation, residue mobility, and thermodynamic stability) has been performed for this missense variant. However, the output from this modeling did not meet the statistical confidence thresholds required to predict the impact of this variant on KMT2B protein function. In summary, the available evidence is currently insufficient to determine the role of this variant in disease. Therefore, it has been classified as a Variant of Uncertain Significance.

NM_014727.3(KMT2B):c.2591A>G (p.Gln864Arg)

Gene: KMT2B (lysine methyltransferase 2B; plus strand). Cytogenetic location: 19q13.12.
Variant type: single nucleotide variant.
Coding change: c.2591A>G on transcript NM_014727.3 (MANE Select); coding-DNA position 2591, A replaced by G.
Protein change: p.Gln864Arg; replaces glutamine 864 with arginine.
Molecular consequence: missense variant.
Genome position (GRCh38, 1-based): chr19:35,722,587, A>G. VCF-style: chr19-35722587-A-G. GRCh37 (hg19) VCF-style: chr19-36213489-A-G.
Other names: short protein forms Q864R.
Identifiers: ClinVar variation 3624722 (VCV003624722.2).